The following is an entry in ClinVar:

NM_018344.6(SLC29A3):c.842T>C (p.Leu281Pro)

Gene: SLC29A3 (solute carrier family 29 member 3; plus strand). Cytogenetic location: 10q22.1.
Variant type: single nucleotide variant.
Coding change: c.842T>C on transcript NM_018344.6 (MANE Select); coding-DNA position 842, T replaced by C.
Protein change: p.Leu281Pro; replaces leucine 281 with proline.
Molecular consequence: missense variant. On other transcripts: 3 prime UTR variant (1), non-coding transcript variant (2).
Genome position (GRCh38, 1-based): chr10:71,362,022, T>C. VCF-style: chr10-71362022-T-C. GRCh37 (hg19) VCF-style: chr10-73121779-T-C.
Other names: c.*71T>C (NM_001174098.2); c.608T>C, p.Leu203Pro (NM_001363518.2); short protein forms L281P, L203P.
Identifiers: ClinVar variation 130346 (VCV000130346.23), dbSNP rs79737301, ClinGen allele CA155250.

ClinVar aggregate classification (germline): Benign/Likely benign. Review status: criteria provided, multiple submitters, no conflicts (2 of 4 stars). 9 submissions from 9 submitters: Benign (4); Likely benign (2). 3 of the submissions do not count toward it. Last evaluated 2026-02-03.

Conditions:
H syndrome. Also called: HISTIOCYTOSIS AND LYMPHADENOPATHY WITH OR WITHOUT CUTANEOUS, CARDIAC, AND/OR ENDOCRINE FEATURES, JOINT CONTRACTURES, AND/OR DEAFNESS; HYPERPIGMENTATION, CUTANEOUS, WITH HYPERTRICHOSIS, HEPATOSPLENOMEGALY, HEART ANOMALIES, AND HYPOGONADISM WITH OR WITHOUT HEARING LOSS; PIGMENTED HYPERTRICHOSIS WITH INSULIN-DEPENDENT DIABETES MELLITUS; ROSAI-DORFMAN DISEASE, FAMILIAL; SINUS HISTIOCYTOSIS AND MASSIVE LYMPHADENOPATHY; Hyperpigmentation, Cutaneous, with Hypertrichosis, Hepatosplenomegaly, Heart Anomalies, Hearing Loss, and Hypogonadism. Identifiers: Orphanet 168569, MedGen C1864445, MONDO:0011273, OMIM 602782.

Allele frequency attached by ClinVar (database versions not stated): gnomAD exomes 0.00799 and 0.01053; ExAC 0.01162; gnomAD 0.01805 and 0.01835; ESP Exome Variant Server 0.01945; TOPMed 0.02008; 1000 Genomes Project 0.02636; 1000 Genomes Project 30x 0.02670.
gnomAD v4.1: 14,564 of 1,614,112 alleles (0.9%); highest among the groups gnomAD compares: African/African-American, 4.6%; 157 homozygotes.

Submissions (9):

Labcorp Genetics (formerly Invitae), Labcorp
Classification: Benign for H syndrome. Last evaluated: 2026-02-03. Review status: criteria provided, single submitter. Criteria: Invitae Variant Classification Sherloc (09022015). Collection method: clinical testing. Allele origin: germline.

Women's Health and Genetics/Laboratory Corporation of America, LabCorp
Classification: Likely benign. Last evaluated: 2026-01-21. Review status: criteria provided, single submitter. Criteria: LabCorp Variant Classification Summary - May 2015. Collection method: clinical testing. Allele origin: germline.

Blueprint Genetics
Classification: Likely benign. Last evaluated: 2024-11-27. Review status: criteria provided, single submitter. Criteria: ACMG Guidelines, 2015. Collection method: clinical testing. Allele origin: germline.

Mayo Clinic Laboratories, Mayo Clinic
Classification: Benign. Last evaluated: 2024-10-23. Review status: criteria provided, single submitter. Criteria: ACMG Guidelines, 2015. Collection method: clinical testing. Allele origin: germline. Observed: 16 variant alleles.
Comment: BA1, BS2

Illumina Laboratory Services, Illumina
Classification: Benign for H syndrome. Last evaluated: 2018-01-13. Review status: criteria provided, single submitter. Criteria: ICSL Variant Classification Criteria 13 December 2019. Collection method: clinical testing. Allele origin: germline.
Comment: This variant was observed in the ICSL laboratory as part of a predisposition screen in an ostensibly healthy population. It had not been previously curated by ICSL or reported in the Human Gene Mutation Database (HGMD: prior to June 1st, 2018), and was therefore a candidate for classification through an automated scoring system. Utilizing variant allele frequency, disease prevalence and penetrance estimates, and inheritance mode, an automated score was calculated to assess if this variant is too frequent to cause the disease. Based on the score and internal cut-off values, a variant classified as benign is not then subjected to further curation. The score for this variant resulted in a classification of benign for this disease.

Breakthrough Genomics
Classification: Benign. Review status: criteria provided, single submitter. Criteria: ACMG Guidelines, 2015. Collection method: not provided. Allele origin: germline. Inheritance: Autosomal recessive inheritance. Affected: yes.

Genetic Services Laboratory, University of Chicago
Classification: Likely benign for AllHighlyPenetrant. Review status: no assertion criteria provided. Collection method: clinical testing. Allele origin: germline. Inheritance: Autosomal recessive inheritance. Not counted in ClinVar's aggregate classification.
Comment: Likely benign based on allele frequency in 1000 Genomes Project or ESP global frequency and its presence in a patient with a rare or unrelated disease phenotype. NOT Sanger confirmed.

Genome Diagnostics Laboratory, University Medical Center Utrecht
Classification: Benign. Review status: no assertion criteria provided. Collection method: clinical testing. Allele origin: germline. Affected: yes. Study: VKGL Data-share Consensus. Not counted in ClinVar's aggregate classification.

Laboratory of Diagnostic Genome Analysis, Leiden University Medical Center (LUMC)
Classification: Likely benign. Review status: no assertion criteria provided. Collection method: clinical testing. Allele origin: germline. Affected: yes. Study: VKGL Data-share Consensus. Not counted in ClinVar's aggregate classification.